The following is an entry in ClinVar:

NM_000318.3(PEX2):c.294dup (p.Ser99fs)

Gene: PEX2 (peroxisomal biogenesis factor 2; minus strand). Cytogenetic location: 8q21.13.
Variant type: Duplication.
Coding change: c.294dup on transcript NM_000318.3 (MANE Select); coding-DNA position 294, one base duplicated (C; older notation c.294dupC).
Protein change: p.Ser99fs; shifts the reading frame from serine 99.
Molecular consequence: frameshift variant.
Genome position (GRCh38, 1-based): chr8:76,983,885, G duplicated on the plus strand (C on the coding strand, the reverse complement: PEX2 is on the minus strand); the first of 3 consecutive G bases (chr8:76,983,885-76,983,887); duplicating any one gives the same sequence. VCF-style (leftmost placement, unchanged base first): chr8-76983884-T-TG. GRCh37 (hg19) VCF-style: chr8-77896120-T-TG.
Other names: c.294dup, p.Ser99fs (NM_001079867.2, NM_001172086.2, NM_001172087.2); short protein forms S99fs.
Identifiers: ClinVar variation 4818156 (VCV004818156.1).

ClinVar aggregate classification (germline): Likely pathogenic (1 of 4 stars; one submission).

Conditions:
Zellweger spectrum disorders (ZS). Also called: Zellweger Spectrum Disorder (ZSD); Zellweger syndrome; Zellweger Spectrum Disorder; Zellweger Spectrum. Identifiers: Orphanet 912, MedGen C0043459, MONDO:0019609.

Submission:

Natera, Inc.
Classification: Likely pathogenic for Zellweger syndrome. Last evaluated: 2024-10-24. Review status: criteria provided, single submitter. Criteria: Natera Variant Classification Schema (03/2026). Collection method: clinical testing. Allele origin: germline.
Comment: The c.294dup variant in PEX2 is a frameshift variant predicted to shift the reading frame beginning at codon 99 and leads to a stop codon 2 codons downstream. This variant is expected to result in nonsense mediated decay, truncation, or a dysfunctional protein product. This variant is rare in the general population with a frequency below the threshold expected for the associated phenotype(s). Given the available evidence, this variant is classified as Likely Pathogenic.